The following is an entry in ClinVar:

NM_007294.4(BRCA1):c.5031T>C (p.Thr1677=)

Gene: BRCA1 (BRCA1 DNA repair associated; minus strand). Cytogenetic location: 17q21.31.
Variant type: single nucleotide variant.
Coding change: c.5031T>C on transcript NM_007294.4 (MANE Select); coding-DNA position 5031, T replaced by C.
Protein change: p.Thr1677=; no amino-acid change (threonine 1677 retained).
Molecular consequence: synonymous variant. On other transcripts: intron variant (1).
Genome position (GRCh38, 1-based): chr17:43,067,651, A>G on the plus strand (T>C on the coding strand, the complement: BRCA1 is on the minus strand). VCF-style: chr17-43067651-A-G. GRCh37 (hg19) VCF-style: chr17-41219668-A-G.
Other names: c.4818T>C, p.Thr1606= (NM_001407571.1, NM_001407894.1, NM_001407895.1 and 12 more transcripts); c.5097T>C, p.Thr1699= (NM_001407581.1, NM_001407582.1); c.5094T>C, p.Thr1698= (NM_001407583.1, NM_001407585.1, NM_001407587.1 and 1 more transcripts); c.5091T>C, p.Thr1697= (NM_001407590.1, NM_001407591.1); c.5031T>C, p.Thr1677= (NM_001407593.1, NM_001407594.1, NM_001407596.1 and 8 more transcripts); c.5028T>C, p.Thr1676= (NM_001407610.1, NM_001407611.1, NM_001407612.1 and 17 more transcripts); c.5025T>C, p.Thr1675= (NM_001407627.1, NM_001407628.1, NM_001407629.1 and 14 more transcripts); c.5022T>C, p.Thr1674= (NM_001407644.1, NM_001407645.1); and 71 more.
Identifiers: ClinVar variation 868944 (VCV000868944.3), dbSNP rs765241963, ClinGen allele CA500146359.
Genomic context (GRCh38, chr17:43,067,651, plus strand): 5'-AAAGGTTCTTGGTATACCTGTTTTCATAACAACATGAGTAGTCTCTTCAGTAATTAGATT[A>G]GTTAAAGTGATGTGGTGTTTTCTGGCAAACTTGTACACGAGCATCTGAAATTAAATCAAA-3'
Protein context (NP_009225.1, residues 1667-1687): KFARKHHITL[Thr1677=]NLITEETTHV

Conditions:
Breast-ovarian cancer, familial, susceptibility to, 1 (BROVCA1). Also called: BRCA1 Hereditary Breast and Ovarian Cancer; OVARIAN CANCER, SUSCEPTIBILITY TO. Identifiers: Orphanet 145, MedGen C2676676, MONDO:0011450, OMIM 604370. Disease mechanism: loss of function.

Submission:

Brotman Baty Institute, University of Washington
No classification provided (evidence only). Condition: Breast-ovarian cancer, familial 1. Review status: no classification provided. Collection method: in vitro. Allele origin: not applicable. Functional consequence: functionally_normal.
ClinVar note: "not provided" was previously submitted as the classification for the variant. However, the classification appeared to be based only on an observation of functional data so it was converted to no classification on 2025-07-30.